The following is an entry in ClinVar:

ClinVar aggregate classification (germline): Conflicting classifications of pathogenicity. Review status: criteria provided, conflicting classifications (1 of 4 stars). 2 submissions from 2 submitters: Pathogenic (1); Uncertain significance (1). Last evaluated 2024-04-26.

Conditions:
Spinocerebellar ataxia type 6 (SCA6). Identifiers: Orphanet 98758, MedGen C0752124, MONDO:0008457, OMIM 183086.
CACNA1A-related complex neurodevelopmental disorder. Identifiers: MedGen CN323281, MONDO:0100254.
Lennox-Gastaut syndrome. Also called: Epileptic encephalopathy Lennox-Gastaut type. Identifiers: Orphanet 2382, MedGen C0238111, MONDO:0016532.
Episodic ataxia type 2 (EA2). Also called: ATAXIA, EPISODIC, WITH NYSTAGMUS; ATAXIA, FAMILIAL PAROXYSMAL; CEREBELLAR ATAXIA, PAROXYSMAL, ACETAZOLAMIDE-RESPONSIVE; CEREBELLOPATHY, HEREDITARY PAROXYSMAL; EPISODIC ATAXIA, NYSTAGMUS-ASSOCIATED; ACETAZOLAMIDE-RESPONSIVE HEREDITARY PAROXYSMAL CEREBELLAR ATAXIA. Identifiers: Orphanet 97, MedGen C1720416, MONDO:0007163, OMIM 108500.
Migraine, familial hemiplegic, 1. Also called: MIGRAINE, FAMILIAL HEMIPLEGIC 1, WITH PROGRESSIVE CEREBELLAR ATAXIA. Identifiers: Orphanet 569, MedGen C1832884, MONDO:0020756, OMIM 141500, MONDO:0007714.
Developmental and epileptic encephalopathy, 42 (DEE42A). Also called: DEVELOPMENTAL AND EPILEPTIC ENCEPHALOPATHY 42A; EPILEPTIC ENCEPHALOPATHY, EARLY INFANTILE, 42A; Epileptic encephalopathy, early infantile, 42. Identifiers: MedGen C4310716, MONDO:0014917, OMIM 617106.

Submissions (2):

GeneDx
Classification: Pathogenic. Last evaluated: 2024-04-26. Review status: criteria provided, single submitter. Criteria: GeneDx Variant Classification Process June 2021. Collection method: clinical testing. Allele origin: germline. Affected: yes.
Comment: Identified as a de novo variant with confirmed parentage and as an apparently de novo variant in patients referred for genetic testing at GeneDx and / or reported in literature with clinical features consistent with a CACNA1A-related disorder (PMID: 33057194); Not observed at significant frequency in large population cohorts (gnomAD); In silico analysis supports that this missense variant has a deleterious effect on protein structure/function; This variant is associated with the following publications: (PMID: 33057194, 35982159)

Labcorp Genetics (formerly Invitae), Labcorp
Classification: Uncertain significance for Developmental and epileptic encephalopathy, 42; Episodic ataxia type 2. Last evaluated: 2023-05-15. Review status: criteria provided, single submitter. Criteria: Invitae Variant Classification Sherloc (09022015). Collection method: clinical testing. Allele origin: germline.
Comment: Advanced modeling of protein sequence and biophysical properties (such as structural, functional, and spatial information, amino acid conservation, physicochemical variation, residue mobility, and thermodynamic stability) has been performed at Invitae for this missense variant, however the output from this modeling did not meet the statistical confidence thresholds required to predict the impact of this variant on CACNA1A protein function. This sequence change replaces leucine, which is neutral and non-polar, with phenylalanine, which is neutral and non-polar, at codon 710 of the CACNA1A protein (p.Leu710Phe). This variant is not present in population databases (gnomAD no frequency). This variant has not been reported in the literature in individuals affected with CACNA1A-related conditions. ClinVar contains an entry for this variant (Variation ID: 280448). In summary, the available evidence is currently insufficient to determine the role of this variant in disease. Therefore, it has been classified as a Variant of Uncertain Significance.

NM_001127222.2(CACNA1A):c.2127G>T (p.Leu709Phe)

Gene: CACNA1A (calcium voltage-gated channel subunit alpha1 A; minus strand). Cytogenetic location: 19p13.13.
Variant type: single nucleotide variant.
Coding change: c.2127G>T on transcript NM_001127222.2 (MANE Select); coding-DNA position 2127, G replaced by T.
Protein change: p.Leu709Phe; replaces leucine 709 with phenylalanine.
Molecular consequence: missense variant.
Genome position (GRCh38, 1-based): chr19:13,303,591, C>A on the plus strand (G>T on the coding strand, the complement: CACNA1A is on the minus strand). VCF-style: chr19-13303591-C-A. GRCh37 (hg19) VCF-style: chr19-13414405-C-A.
Other names: c.2130G>T, p.Leu710Phe (NM_000068.4, NM_001127221.2, NM_001174080.2 and 1 more transcripts); short protein forms L710F, L709F.
Identifiers: ClinVar variation 280448 (VCV000280448.7), dbSNP rs886041654, ClinGen allele CA10603434.
Genomic context (GRCh38, chr19:13,303,591, plus strand): 5'-TCCCACCGCCTCCACCTTGGTGAGCTCCTGGGCGTTGGCCAGATTGTCCACAGCGATGGC[C>A]AAGAACACATTCAGGAGGGTGTCTGCAAATGTCTGAGTCAGGAAAAGCAACCACTGGTGG-3'
Protein context (NP_001120694.1, residues 699-719): FGNYTLLNVF[Leu709Phe]AIAVDNLANA